The following is an entry in ClinVar:

NM_004655.4(AXIN2):c.2432A>C (p.Glu811Ala)

Gene: AXIN2 (axin 2; minus strand). Cytogenetic location: 17q24.1.
Variant type: single nucleotide variant.
Coding change: c.2432A>C on transcript NM_004655.4 (MANE Select); coding-DNA position 2432, A replaced by C.
Protein change: p.Glu811Ala; replaces glutamic acid 811 with alanine.
Molecular consequence: missense variant.
Genome position (GRCh38, 1-based): chr17:65,530,076, T>G on the plus strand (A>C on the coding strand, the complement: AXIN2 is on the minus strand). VCF-style: chr17-65530076-T-G. GRCh37 (hg19) VCF-style: chr17-63526194-T-G.
Other names: c.2237A>C, p.Glu746Ala (NM_001363813.1); short protein forms E746A, E811A.
Identifiers: ClinVar variation 5032604 (VCV005032604.1).

ClinVar aggregate classification (germline): Uncertain significance (1 of 4 stars; one submission).

Conditions:
Hereditary cancer-predisposing syndrome. Also called: Neoplastic Syndromes, Hereditary; Tumor predisposition; Hereditary neoplastic syndrome; Hereditary Cancer Syndrome. Identifiers: Orphanet 140162, MedGen C0027672, MeSH D009386, MONDO:0015356.

Submission:

Ambry Genetics
Classification: Uncertain significance for Hereditary cancer-predisposing syndrome. Last evaluated: 2026-07-07. Review status: criteria provided, single submitter. Criteria: Ambry Variant Classification Scheme 2023. Collection method: clinical testing. Allele origin: germline.
Comment: The p.E811A variant (also known as c.2432A>C), located in coding exon 10 of the AXIN2 gene, results from an A to C substitution at nucleotide position 2432. The glutamic acid at codon 811 is replaced by alanine, an amino acid with dissimilar properties. This amino acid position is conserved. In addition, this alteration is predicted to be deleterious by in silico analysis. Based on the available evidence, the clinical significance of this variant remains unclear.